The following is an entry in ClinVar:

ClinVar aggregate classification (germline): Uncertain significance (1 of 4 stars; one submission).

Submission:

GeneDx
Classification: Uncertain significance. Last evaluated: 2024-09-10. Review status: criteria provided, single submitter. Criteria: GeneDx Variant Classification Process June 2021. Collection method: clinical testing. Allele origin: germline. Affected: yes.
Comment: Not observed at significant frequency in large population cohorts (gnomAD); In silico analysis supports that this missense variant has a deleterious effect on protein structure/function; Has not been previously published as pathogenic or benign to our knowledge

NM_001009944.3(PKD1):c.8819C>G (p.Pro2940Arg)

Gene: PKD1 (polycystin 1, transient receptor potential channel interacting; minus strand). Cytogenetic location: 16p13.3.
Variant type: single nucleotide variant.
Coding change: c.8819C>G on transcript NM_001009944.3 (MANE Select); coding-DNA position 8819, C replaced by G.
Protein change: p.Pro2940Arg; replaces proline 2940 with arginine.
Molecular consequence: missense variant.
Genome position (GRCh38, 1-based): chr16:2,102,943, G>C on the plus strand (C>G on the coding strand, the complement: PKD1 is on the minus strand). VCF-style: chr16-2102943-G-C. GRCh37 (hg19) VCF-style: chr16-2152944-G-C.
Other names: c.8819C>G, p.Pro2940Arg (NM_000296.4); short protein forms P2940R.
Identifiers: ClinVar variation 3767773 (VCV003767773.1).